The following is an entry in ClinVar:

NM_138694.4(PKHD1):c.4220T>G (p.Leu1407Arg)

Gene: PKHD1 (PKHD1 ciliary IPT domain containing fibrocystin/polyductin; minus strand). Cytogenetic location: 6p12.2.
Variant type: single nucleotide variant.
Coding change: c.4220T>G on transcript NM_138694.4 (MANE Select); coding-DNA position 4220, T replaced by G.
Protein change: p.Leu1407Arg; replaces leucine 1407 with arginine.
Molecular consequence: missense variant.
Genome position (GRCh38, 1-based): chr6:52,025,590, A>C on the plus strand (T>G on the coding strand, the complement: PKHD1 is on the minus strand). VCF-style: chr6-52025590-A-C. GRCh37 (hg19) VCF-style: chr6-51890388-A-C.
Other names: c.4220T>G (NM_170724.2, NM_138694.3); c.4220T>G, p.Leu1407Arg (NM_170724.3); short protein forms L1407R.
Identifiers: ClinVar variation 813383 (VCV000813383.14), dbSNP rs1464962854, ClinGen allele CA364434847.

ClinVar aggregate classification (germline): Pathogenic/Likely pathogenic. Review status: criteria provided, multiple submitters, no conflicts (2 of 4 stars). 6 submissions from 6 submitters: Pathogenic (3); Likely pathogenic (3). Last evaluated 2025-12-03.

Conditions:
Autosomal recessive polycystic kidney disease (ARPKD). Also called: AR polycystic kidney disease. Identifiers: Orphanet 731, Orphanet 8378, MedGen C0085548, MeSH D017044, MONDO:0009889.
Polycystic kidney disease 4 (PKD4). Also called: PKD3; POLYCYSTIC KIDNEY DISEASE 4 WITH OR WITHOUT POLYCYSTIC LIVER DISEASE; POLYCYSTIC KIDNEY AND HEPATIC DISEASE 1; POLYCYSTIC KIDNEY DISEASE, INFANTILE, TYPE I; Autosomal Recessive Polycystic Kidney Disease – PKHD1. Identifiers: MedGen C4540575, MONDO:0033004, OMIM 263200.

gnomAD v4.1: 3 of 1,614,186 alleles (0.00019%); highest among the groups gnomAD compares: Non-Finnish European, 0.00025%; no homozygotes.

Submissions (6):

Myriad Genetics, Inc.
Classification: Likely pathogenic for Polycystic kidney disease 4. Last evaluated: 2025-12-03. Review status: criteria provided, single submitter. Criteria: Myriad Autosomal Dominant, Autosomal Recessive and X-Linked Classification Criteria (2023). Collection method: clinical testing. Allele origin: unknown.
Comment: NM_138694.3(PKHD1):c.4220T>G(L1407R) is a missense variant classified as likely pathogenic in the context of autosomal recessive polycystic kidney disease, PKHD1-related. L1407R has been observed in cases with relevant disease (PMID: 11919560, 23582048, 15698423, 33940108). Relevant functional assessments of this variant are not available in the literature. L1407R has not been observed in referenced population frequency databases. In summary, NM_138694.3(PKHD1):c.4220T>G(L1407R) is a missense variant that has been observed more frequently in cases with the relevant disease than in healthy populations. Please note: this variant was assessed in the context of healthy population screening.

Natera, Inc.
Classification: Likely pathogenic for Autosomal recessive polycystic kidney disease. Last evaluated: 2025-06-23. Review status: criteria provided, single submitter. Criteria: Natera Variant Classification Schema (03/2026). Collection method: clinical testing. Allele origin: germline.
Comment: The c.4220T>G variant in PKHD1 is a missense variant predicted to cause substitution of leucine to arginine at amino acid 1407. This variant is rare in the general population with a frequency below the threshold expected for the associated phenotype(s). This variant has been observed in one or more individuals affected with the associated recessive disease, as either homozygous or compound heterozygous with a second variant (PMID: 33940108, 23582048, 11919560). Computational prediction algorithms indicate this variant is likely to affect gene or protein function. Given the available evidence, this variant is classified as Likely Pathogenic.

Victorian Clinical Genetics Services, Murdoch Childrens Research Institute
Classification: Pathogenic for Polycystic kidney disease 4. Last evaluated: 2024-10-09. Review status: criteria provided, single submitter. Criteria: ACMG Guidelines, 2015. Collection method: clinical testing. Allele origin: germline. Inheritance: Autosomal recessive inheritance. Affected: yes.
Comment: Based on the classification scheme VCGS_Germline_v1.3.4, this variant is classified as Pathogenic. Following criteria are met: 0102 - Loss of function is a known mechanism of disease in this gene and is associated with polycystic kidney disease 4, with or without hepatic disease (MIM#263200). (I) 0106 - This gene is associated with autosomal recessive disease; however, there are emerging reports of heterozygous carriers of PKHD1 variants developing liver cysts and nephrocalcinosis (PMID: 21945273). (I) 0115 - Variants in this gene are known to have variable expressivity. Significant intrafamilial variability has been reported (PMID: 20301501). (I) 0200 - Variant is predicted to result in a missense amino acid change from leucine to arginine. (I) 0251 - This variant is heterozygous. (I) 0301 - Variant is absent from gnomAD (both v2 and v3). (SP) 0309 - An alternative amino acid change at the same position has been observed in gnomAD (v2) (1 heterozygote, 0 homozygotes). (I) 0502 - Missense variant with conflicting in silico predictions and uninformative conservation. (I) 0600 - Variant is located in the annotated IPT/TIG domain (DECIPHER). (I) 0705 - No comparable missense variants have previous evidence for pathogenicity. (I) 0801 - This variant has strong previous evidence of pathogenicity in unrelated individuals. This variant has been classified as pathogenic or likely pathogenic by clinical laboratories in ClinVar, and has been observed in individuals with autosomal recessive polycystic kidney disease (PMIDs: 15698423, 11919560, 23582048). (SP) 1201 - Heterozygous variant detected in trans with a second pathogenic heterozygous variant (NM_138694.3(PKHD1):c.107C>T; p.(Thr26Met)) in a recessive disease. (I) Legend: (SP) - Supporting pathogenic, (I) - Information, (SB) - Supporting benign

Fulgent Genetics
Classification: Pathogenic for Polycystic kidney disease 4. Last evaluated: 2024-05-01. Review status: criteria provided, single submitter. Criteria: ACMG Guidelines, 2015. Collection method: clinical testing. Allele origin: germline.

Labcorp Genetics (formerly Invitae), Labcorp
Classification: Pathogenic for Autosomal recessive polycystic kidney disease. Last evaluated: 2021-08-19. Review status: criteria provided, single submitter. Criteria: Invitae Variant Classification Sherloc (09022015). Collection method: clinical testing. Allele origin: germline.
Comment: For these reasons, this variant has been classified as Pathogenic. Advanced modeling of protein sequence and biophysical properties (such as structural, functional, and spatial information, amino acid conservation, physicochemical variation, residue mobility, and thermodynamic stability) performed at Invitae indicates that this missense variant is expected to disrupt PKHD1 protein function. ClinVar contains an entry for this variant (Variation ID: 813383). This missense change has been observed in individual(s) with autosomal recessive polycystic kidney disease (PMID: 11919560, 15698423, 23582048). In at least one individual the data is consistent with the variant being in trans (on the opposite chromosome) from a pathogenic variant. This variant is not present in population databases (ExAC no frequency). This sequence change replaces leucine with arginine at codon 1407 of the PKHD1 protein (p.Leu1407Arg). The leucine residue is highly conserved and there is a moderate physicochemical difference between leucine and arginine.

Baylor Genetics
Classification: Likely pathogenic for Polycystic kidney disease 4. Review status: criteria provided, single submitter. Criteria: ACMG Guidelines, 2015. Collection method: clinical testing. Allele origin: germline.

Literature cited by the submitters: PubMed 11919560 (cited by 4 submitters); PubMed 15698423 (cited by 3 submitters); PubMed 23582048 (cited by 4 submitters); PubMed 33940108 (cited by Myriad Genetics, Inc. and Natera, Inc.); PubMed 20301501 (cited by Victorian Clinical Genetics Services, Murdoch Childrens Research Institute); PubMed 21945273 (cited by Victorian Clinical Genetics Services, Murdoch Childrens Research Institute).